The following is an entry in ClinVar:

ClinVar aggregate classification (germline): Pathogenic/Likely pathogenic. Review status: criteria provided, multiple submitters, no conflicts (2 of 4 stars). 4 submissions from 4 submitters: Pathogenic (1); Likely pathogenic (1). 2 of the submissions do not count toward it. Last evaluated 2026-03-25.

Conditions:
Hereditary cancer-predisposing syndrome. Also called: Neoplastic Syndromes, Hereditary; Hereditary neoplastic syndrome; Tumor predisposition; Hereditary Cancer Syndrome. Identifiers: Orphanet 140162, MedGen C0027672, MeSH D009386, MONDO:0015356.
Tuberous sclerosis syndrome (TSC). Also called: Tuberous sclerosis; Tuberous Sclerosis Complex. Identifiers: Orphanet 805, MedGen C0041341, MONDO:0001734.
Tuberous sclerosis 2 (TSC2). Identifiers: Orphanet 805, MedGen C1860707, MONDO:0013199, OMIM 613254.
Everolimus response.

Submissions (4):

Ambry Genetics
Classification: Likely pathogenic for Hereditary cancer-predisposing syndrome. Last evaluated: 2026-03-25. Review status: criteria provided, single submitter. Criteria: Ambry Variant Classification Scheme 2023. Collection method: clinical testing. Allele origin: germline.
Comment: The p.Y1650C variant (also known as c.4949A>G), located in coding exon 37 of the TSC2 gene, results from an A to G substitution at nucleotide position 4949. The tyrosine at codon 1650 is replaced by cysteine, an amino acid with highly dissimilar properties. This variant was reported in individual(s) with features consistent with tuberous sclerosis complex (Glushkova M et al. J Genet, 2018 Jun;97:419-427; Ambry internal data). This amino acid position is highly conserved in available vertebrate species. In addition, this alteration is predicted to be deleterious by in silico analysis. Based on the majority of available evidence to date, this variant is likely to be pathogenic.

Labcorp Genetics (formerly Invitae), Labcorp
Classification: Pathogenic for Tuberous sclerosis 2. Last evaluated: 2025-11-22. Review status: criteria provided, single submitter. Criteria: Invitae Variant Classification Sherloc (09022015). Collection method: clinical testing. Allele origin: germline.
Comment: This sequence change replaces tyrosine, which is neutral and polar, with cysteine, which is neutral and slightly polar, at codon 1650 of the TSC2 protein (p.Tyr1650Cys). This variant is not present in population databases (gnomAD no frequency). This missense change has been observed in individual(s) with tuberous sclerosis complex (PMID: 9829910, 29932062). In at least one individual the variant was observed to be de novo. ClinVar contains an entry for this variant (Variation ID: 49334). Invitae Evidence Modeling of protein sequence and biophysical properties (such as structural, functional, and spatial information, amino acid conservation, physicochemical variation, residue mobility, and thermodynamic stability) has been performed for this missense variant. However, the output from this modeling did not meet the statistical confidence thresholds required to predict the impact of this variant on TSC2 protein function. For these reasons, this variant has been classified as Pathogenic.

Division of Hematology/Oncology, Florida, Mayo Clinic
Classification: drug response for Everolimus response. Last evaluated: 2017-01-01. Review status: no assertion criteria provided. Collection method: clinical testing. Allele origin: somatic. Inheritance: Autosomal dominant inheritance. Affected: yes. Not counted in ClinVar's aggregate classification.
Comment: Everolimus, an oral inhibitor of the mammalian target of rapamycin (mTOR) pathway, is currently approved for treatment of advanced renal-cell carcinoma (RCC) after failure of initial treatment with the tyrosine kinase inhibitors. Patients with tuberous sclerosis complex (TSC) syndrome can also develop RCC primarily mediated through mTOR signaling. However, the efficacy and duration of response of mTOR inhibition in patients with TSC-associated RCC is not well known. Furthermore, the alteration H1620R in exon 37 resulting in a missense mutation is likely deleterious given our findings and previous analyses of the TSC2 gene. Further studies of somatic mutations in extended responders to mTOR inhibitors will help personalize therapy for these patients. It also emphasizes the value of targeted therapies based on genomic analyses.

Tuberous sclerosis database (TSC2)
No classification provided. Condition: TSC. Review status: no classification provided. Criteria: Tuberous Sclerosis Database Assertion Criteria 2015. Collection method: curation. Allele origin: germline. Affected: yes. Not counted in ClinVar's aggregate classification.

Literature cited by the submitters: PubMed 29932062 (cited by Ambry Genetics and Labcorp Genetics (formerly Invitae), Labcorp); PubMed 9829910 (cited by Ambry Genetics and Labcorp Genetics (formerly Invitae), Labcorp).

NM_000548.5(TSC2):c.4949A>G (p.Tyr1650Cys)

Gene: TSC2 (TSC complex subunit 2; plus strand). Cytogenetic location: 16p13.3.
Variant type: single nucleotide variant.
Coding change: c.4949A>G on transcript NM_000548.5 (MANE Select); coding-DNA position 4949, A replaced by G.
Protein change: p.Tyr1650Cys; replaces tyrosine 1650 with cysteine.
Molecular consequence: missense variant.
Genome position (GRCh38, 1-based): chr16:2,086,831, A>G. VCF-style: chr16-2086831-A-G. GRCh37 (hg19) VCF-style: chr16-2136832-A-G.
Other names: c.4748A>G, p.Tyr1583Cys (NM_001077183.3); c.4880A>G, p.Tyr1627Cys (NM_001114382.3); c.4640A>G, p.Tyr1547Cys (NM_001318827.2); c.4604A>G, p.Tyr1535Cys (NM_001318829.2); c.4217A>G, p.Tyr1406Cys (NM_001318831.2); c.4781A>G, p.Tyr1594Cys (NM_001318832.2); c.4751A>G, p.Tyr1584Cys (NM_001363528.2); c.4817A>G, p.Tyr1606Cys (NM_001370404.1); and 1 more; short protein forms Y1650C, Y1406C, Y1594C, Y1535C, Y1584C, Y1607C, Y1627C, Y1547C.
Identifiers: ClinVar variation 49334 (VCV000049334.7), dbSNP rs45501091, ClinGen allele CA021378.